The following is an entry in ClinVar:

ClinVar aggregate classification (germline): Uncertain significance (1 of 4 stars; one submission).

gnomAD v4.1: 1 of 1,194,300 alleles (0.000084%); highest among the groups gnomAD compares: Non-Finnish European, 0.00011%; no homozygotes.

Submission:

GeneDx
Classification: Uncertain significance. Last evaluated: 2025-07-22. Review status: criteria provided, single submitter. Criteria: GeneDx Variant Classification Process June 2021. Collection method: clinical testing. Allele origin: germline.
Comment: Not observed at significant frequency in large population cohorts (gnomAD); In silico analysis supports that this missense variant has a deleterious effect on protein structure/function; Has not been previously published as pathogenic or benign to our knowledge

NM_019045.5(WDR44):c.1133C>T (p.Pro378Leu)

Gene: WDR44 (WD repeat domain 44; plus strand). Cytogenetic location: Xq24.
Variant type: single nucleotide variant.
Coding change: c.1133C>T on transcript NM_019045.5 (MANE Select); coding-DNA position 1133, C replaced by T.
Protein change: p.Pro378Leu; replaces proline 378 with leucine.
Molecular consequence: missense variant.
Genome position (GRCh38, 1-based): chrX:118,397,049, C>T. VCF-style: chrX-118397049-C-T. GRCh37 (hg19) VCF-style: chrX-117531012-C-T.
Other names: c.1133C>T, p.Pro378Leu (NM_001184965.2); c.1058C>T, p.Pro353Leu (NM_001184966.1); short protein forms P353L, P378L.
Identifiers: ClinVar variation 3360042 (VCV003360042.2).